The following is an entry in ClinVar:

ClinVar aggregate classification (germline): Uncertain significance (1 of 4 stars; one submission).

gnomAD v4.1: 5 of 1,614,142 alleles (0.00031%); highest among the groups gnomAD compares: African/African-American, 0.004%; no homozygotes.

Submission:

Labcorp Genetics (formerly Invitae), Labcorp
Classification: Uncertain significance. Last evaluated: 2024-12-17. Review status: criteria provided, single submitter. Criteria: Invitae Variant Classification Sherloc (09022015). Collection method: clinical testing. Allele origin: germline.
Comment: This sequence change replaces glutamine, which is neutral and polar, with arginine, which is basic and polar, at codon 43 of the COX4I2 protein (p.Gln43Arg). This variant is not present in population databases (gnomAD no frequency). This variant has not been reported in the literature in individuals affected with COX4I2-related conditions. An algorithm developed to predict the effect of missense changes on protein structure and function (PolyPhen-2) suggests that this variant is likely to be tolerated. In summary, the available evidence is currently insufficient to determine the role of this variant in disease. Therefore, it has been classified as a Variant of Uncertain Significance.

NM_032609.3(COX4I2):c.128A>G (p.Gln43Arg)

Gene: COX4I2 (cytochrome c oxidase subunit 4I2; plus strand). Cytogenetic location: 20q11.21.
Variant type: single nucleotide variant.
Coding change: c.128A>G on transcript NM_032609.3 (MANE Select); coding-DNA position 128, A replaced by G.
Protein change: p.Gln43Arg; replaces glutamine 43 with arginine.
Molecular consequence: missense variant.
Genome position (GRCh38, 1-based): chr20:31,639,978, A>G. VCF-style: chr20-31639978-A-G. GRCh37 (hg19) VCF-style: chr20-30227781-A-G.
Other names: short protein forms Q43R.
Identifiers: ClinVar variation 3608023 (VCV003608023.2).